The following is an entry in ClinVar:

ClinVar aggregate classification (germline): Uncertain significance (1 of 4 stars; one submission).

Conditions:
Inborn genetic diseases. Identifiers: MedGen C0950123, MeSH D030342.

gnomAD v4.1: 1 of 1,614,198 alleles (0.000062%); highest among the groups gnomAD compares: Non-Finnish European, 0.000085%; no homozygotes.

Submission:

Ambry Genetics
Classification: Uncertain significance for Inborn genetic diseases. Last evaluated: 2024-12-26. Review status: criteria provided, single submitter. Criteria: Ambry Variant Classification Scheme 2023. Collection method: clinical testing. Allele origin: germline.
Comment: The p.A1002V variant (also known as c.3005C>T), located in coding exon 13 of the ASXL1 gene, results from a C to T substitution at nucleotide position 3005. The alanine at codon 1002 is replaced by valine, an amino acid with similar properties. This amino acid position is conserved. In addition, this alteration is predicted to be tolerated by in silico analysis. Based on the available evidence, the clinical significance of this variant remains unclear.

NM_015338.6(ASXL1):c.3005C>T (p.Ala1002Val)

Gene: ASXL1 (ASXL transcriptional regulator 1; plus strand). Cytogenetic location: 20q11.21.
Variant type: single nucleotide variant.
Coding change: c.3005C>T on transcript NM_015338.6 (MANE Select); coding-DNA position 3005, C replaced by T.
Protein change: p.Ala1002Val; replaces alanine 1002 with valine.
Molecular consequence: missense variant.
Genome position (GRCh38, 1-based): chr20:32,435,717, C>T. VCF-style: chr20-32435717-C-T. GRCh37 (hg19) VCF-style: chr20-31023520-C-T.
Other names: c.2822C>T, p.Ala941Val (NM_001363734.1); short protein forms A1002V, A941V.
Identifiers: ClinVar variation 3791641 (VCV003791641.1).